The following is an entry in ClinVar:

ClinVar aggregate classification (germline): Uncertain significance (1 of 4 stars; one submission).

Submission:

Women's Health and Genetics/Laboratory Corporation of America, LabCorp
Classification: Uncertain significance. Last evaluated: 2026-04-20. Review status: criteria provided, single submitter. Criteria: LabCorp Variant Classification Summary - May 2015. Collection method: clinical testing. Allele origin: germline.
Comment: Variant summary: GLI2 c.2763_2771dupCGCGCCCGA (p.Asp921_Pro923dup) results in an in-frame duplication that is predicted to duplicate three amino acids into the encoded protein. The variant was absent in 29228 control chromosomes. The available data on variant occurrences in the general population are insufficient to allow any conclusion about variant significance. To our knowledge, no occurrence of c.2763_2771dupCGCGCCCGA in individuals affected with GLI2-related conditions and no experimental evidence demonstrating its impact on protein function have been reported. No submitters have cited clinical-significance assessments for this variant to ClinVar. Based on the evidence outlined above, the variant was classified as uncertain significance.

NM_001374353.1(GLI2):c.2712_2720dup (p.Pro906_Glu907insAspAlaPro)

Gene: GLI2 (GLI family zinc finger 2; plus strand). Cytogenetic location: 2q14.2.
Variant type: Duplication.
Coding change: c.2712_2720dup on transcript NM_001374353.1 (MANE Select); coding-DNA positions 2712 to 2720, 9 bases duplicated (CGCGCCCGA; older notation c.2712_2720dupCGCGCCCGA).
Protein change: p.Pro906_Glu907insAspAlaPro.
Genome position (GRCh38, 1-based): chr2:120,988,677-120,988,685, CGCGCCCGA duplicated; duplicating any 9 consecutive bases within chr2:120,988,675-120,988,685 gives the same sequence; the c. name uses the placement nearest the transcript's 3' end. VCF-style (leftmost placement, unchanged base first): chr2-120988674-G-GGACGCGCCC. GRCh37 (hg19) VCF-style: chr2-121746250-G-GGACGCGCCC.
Other names: c.2763_2771dupCGCGCCCGA (NM_005270.5); c.2763_2771dup, p.Pro923_Glu924insAspAlaPro (NM_001371271.1, NM_005270.5); c.2337_2345dup, p.Pro781_Glu782insAspAlaPro (NM_001374354.1).
Identifiers: ClinVar variation 4848422 (VCV004848422.1).